The following is an entry in ClinVar:

NM_001365276.2(TNXB):c.12171C>T (p.Asn4057=)

Genes: TNXB (tenascin XB; minus strand), LOC106780803 (tenascin XB recombination region; plus strand). Cytogenetic location: 6p21.33.
Variant type: single nucleotide variant.
Coding change: c.12171C>T on transcript NM_001365276.2 (MANE Select); coding-DNA position 12171, C replaced by T.
Protein change: p.Asn4057=; no amino-acid change (asparagine 4057 retained).
Molecular consequence: synonymous variant.
Genome position (GRCh38, 1-based): chr6:32,042,494, G>A on the plus strand (C>T on the coding strand, the complement: TNXB is on the minus strand). VCF-style: chr6-32042494-G-A. GRCh37 (hg19) VCF-style: chr6-32010271-G-A.
Other names: p.Asn4055=; c.12912C>T, p.Asn4304= (NM_001428335.1); c.12165C>T, p.Asn4055= (NM_019105.8); c.1458C>T, p.Asn486= (NM_032470.4).
Identifiers: ClinVar variation 4684930 (VCV004684930.1).

ClinVar aggregate classification (germline): Likely benign (1 of 4 stars; one submission).

gnomAD v4.1: 52 of 1,612,806 alleles (0.0032%); highest among the groups gnomAD compares: South Asian, 0.012%; no homozygotes.

Submission:

Mayo Clinic Laboratories, Mayo Clinic
Classification: Likely benign. Last evaluated: 2025-09-22. Review status: criteria provided, single submitter. Criteria: ACMG Guidelines, 2015. Collection method: clinical testing. Allele origin: germline. Observed: 1 variant allele.
Comment: BP4, BP7